The following is an entry in ClinVar:

NM_000343.4(SLC5A1):c.1276G>A (p.Gly426Arg)

Gene: SLC5A1 (solute carrier family 5 member 1; plus strand). Cytogenetic location: 22q12.3.
Variant type: single nucleotide variant.
Coding change: c.1276G>A on transcript NM_000343.4 (MANE Select); coding-DNA position 1276, G replaced by A.
Protein change: p.Gly426Arg; replaces glycine 426 with arginine.
Molecular consequence: missense variant.
Genome position (GRCh38, 1-based): chr22:32,091,758, G>A. VCF-style: chr22-32091758-G-A. GRCh37 (hg19) VCF-style: chr22-32487745-G-A.
Other names: c.895G>A, p.Gly299Arg (NM_001256314.2); short protein forms G299R, G426R.
Identifiers: ClinVar variation 1442825 (VCV001442825.7), dbSNP rs1304151494, ClinGen allele CA411308954.

ClinVar aggregate classification (germline): Uncertain significance. Review status: criteria provided, multiple submitters, no conflicts (2 of 4 stars). 2 submissions from 2 submitters: Uncertain significance (2). Last evaluated 2024-02-22.

Conditions:
Congenital glucose-galactose malabsorption (GGM). Also called: MONOSACCHARIDE MALABSORPTION; DIARRHEA 16. Identifiers: Orphanet 35710, MedGen C0268186, MONDO:0011731, OMIM 606824.

Allele frequency attached by ClinVar (database versions not stated): gnomAD 0.00001; gnomAD exomes 0.00001; TOPMed 0.00001.

Submissions (2):

Labcorp Genetics (formerly Invitae), Labcorp
Classification: Uncertain significance for Congenital glucose-galactose malabsorption. Last evaluated: 2024-02-22. Review status: criteria provided, single submitter. Criteria: Invitae Variant Classification Sherloc (09022015). Collection method: clinical testing. Allele origin: germline.
Comment: This sequence change replaces glycine, which is neutral and non-polar, with arginine, which is basic and polar, at codon 426 of the SLC5A1 protein (p.Gly426Arg). The frequency data for this variant in the population databases is considered unreliable, as metrics indicate poor data quality at this position in the gnomAD database. This missense change has been observed in individuals with glucose/galactose malabsorption (PMID: 8563765, 24048166). ClinVar contains an entry for this variant (Variation ID: 1442825). Advanced modeling of protein sequence and biophysical properties (such as structural, functional, and spatial information, amino acid conservation, physicochemical variation, residue mobility, and thermodynamic stability) performed at Invitae indicates that this missense variant is expected to disrupt SLC5A1 protein function with a positive predictive value of 80%. Experimental studies have shown that this missense change affects SLC5A1 function (PMID: 8563765). In summary, the available evidence is currently insufficient to determine the role of this variant in disease. Therefore, it has been classified as a Variant of Uncertain Significance.

Fulgent Genetics
Classification: Uncertain significance for Congenital glucose-galactose malabsorption. Last evaluated: 2022-02-15. Review status: criteria provided, single submitter. Criteria: ACMG Guidelines, 2015. Collection method: clinical testing. Allele origin: unknown.

Literature cited by the submitters: PubMed 8563765 (cited by Labcorp Genetics (formerly Invitae), Labcorp); PubMed 24048166 (cited by Labcorp Genetics (formerly Invitae), Labcorp).